The following is an entry in ClinVar:

NM_004006.3(DMD):c.4040T>A (p.Phe1347Tyr)

Gene: DMD (dystrophin; minus strand). Cytogenetic location: Xp21.1.
Variant type: single nucleotide variant.
Coding change: c.4040T>A on transcript NM_004006.3 (MANE Select); coding-DNA position 4040, T replaced by A.
Protein change: p.Phe1347Tyr; replaces phenylalanine 1347 with tyrosine.
Molecular consequence: missense variant.
Genome position (GRCh38, 1-based): chrX:32,438,272, A>T on the plus strand (T>A on the coding strand, the complement: DMD is on the minus strand). VCF-style: chrX-32438272-A-T. GRCh37 (hg19) VCF-style: chrX-32456389-A-T.
Other names: c.4016T>A, p.Phe1339Tyr (NM_000109.4); c.4028T>A, p.Phe1343Tyr (NM_004009.3); c.3671T>A, p.Phe1224Tyr (NM_004010.3); short protein forms F1347Y, F1224Y, F1343Y, F1339Y.
Identifiers: ClinVar variation 526104 (VCV000526104.18), dbSNP rs1466636716, ClinGen allele CA412669268.

ClinVar aggregate classification (germline): Uncertain significance. Review status: criteria provided, multiple submitters, no conflicts (2 of 4 stars). 4 submissions from 4 submitters: Uncertain significance (3). 1 of the submissions does not count toward it. Last evaluated 2025-08-11.

Conditions:
Dystrophin deficiency.
Cardiomyopathy (CMYO). Also called: Cardiomyopathies. Identifiers: Orphanet 167848, MedGen C0878544, MONDO:0004994, HP:0001638. Inheritance: Various modes of inheritance.
Becker muscular dystrophy (BMD). Also called: Becker Muscular Dystrophy (BMD); MUSCULAR DYSTROPHY, PSEUDOHYPERTROPHIC PROGRESSIVE, BECKER TYPE. Identifiers: Orphanet 98895, MedGen C0917713, MONDO:0010311, OMIM 300376.
Duchenne muscular dystrophy (DMD). Also called: Duchenne Muscular Dystrophy (DMD); MUSCULAR DYSTROPHY, PSEUDOHYPERTROPHIC PROGRESSIVE, DUCHENNE TYPE. Identifiers: Orphanet 98896, MedGen C0013264, MONDO:0010679, OMIM 310200.
Cardiovascular phenotype. Identifiers: MedGen CN230736.

Allele frequency attached by ClinVar (database versions not stated): gnomAD 0.00001; TOPMed 0.00006.
gnomAD v4.1: 1 of 1,209,600 alleles (0.000083%); highest among the groups gnomAD compares: African/African-American, 0.0017%; no homozygotes.

Submissions (4):

Labcorp Genetics (formerly Invitae), Labcorp
Classification: Uncertain significance for Duchenne muscular dystrophy. Last evaluated: 2025-08-11. Review status: criteria provided, single submitter. Criteria: Invitae Variant Classification Sherloc (09022015). Collection method: clinical testing. Allele origin: germline.
Comment: This sequence change replaces phenylalanine, which is neutral and non-polar, with tyrosine, which is neutral and polar, at codon 1347 of the DMD protein (p.Phe1347Tyr). This variant is not present in population databases (gnomAD no frequency). This variant has not been reported in the literature in individuals affected with DMD-related conditions. ClinVar contains an entry for this variant (Variation ID: 526104). Invitae Evidence Modeling of protein sequence and biophysical properties (such as structural, functional, and spatial information, amino acid conservation, physicochemical variation, residue mobility, and thermodynamic stability) indicates that this missense variant is not expected to disrupt DMD protein function with a negative predictive value of 95%. In summary, the available evidence is currently insufficient to determine the role of this variant in disease. Therefore, it has been classified as a Variant of Uncertain Significance.

Ambry Genetics
Classification: Uncertain significance for Cardiovascular phenotype. Last evaluated: 2023-07-18. Review status: criteria provided, single submitter. Criteria: Ambry Variant Classification Scheme 2023. Collection method: clinical testing. Allele origin: germline.
Comment: The p.F1347Y variant (also known as c.4040T>A), located in coding exon 29 of the DMD gene, results from a T to A substitution at nucleotide position 4040. The phenylalanine at codon 1347 is replaced by tyrosine, an amino acid with highly similar properties. This amino acid position is highly conserved in available vertebrate species. In addition, this alteration is predicted to be tolerated by in silico analysis. Since supporting evidence is limited at this time, the clinical significance of this alteration remains unclear.

Eurofins Ntd Llc (ga)
Classification: Uncertain significance. Last evaluated: 2018-06-08. Review status: criteria provided, single submitter. Criteria: EGL ClinVar v180209 classification definitions. Collection method: clinical testing. Allele origin: germline. Observed: 2 variant alleles, 2 heterozygotes.

Natera, Inc.
Classification: Uncertain significance for Becker muscular dystrophy; Cardiomyopathy; Duchenne muscular dystrophy; Dystrophin deficiency. Last evaluated: 2020-08-04. Review status: no assertion criteria provided. Collection method: clinical testing. Allele origin: germline. Not counted in ClinVar's aggregate classification.